The following is an entry in ClinVar:

NM_004304.5(ALK):c.3170T>C (p.Ile1057Thr)

Gene: ALK (ALK receptor tyrosine kinase; minus strand). Cytogenetic location: 2p23.2.
Variant type: single nucleotide variant.
Coding change: c.3170T>C on transcript NM_004304.5 (MANE Select); coding-DNA position 3170, T replaced by C.
Protein change: p.Ile1057Thr; replaces isoleucine 1057 with threonine.
Molecular consequence: missense variant.
Genome position (GRCh38, 1-based): chr2:29,225,463, A>G on the plus strand (T>C on the coding strand, the complement: ALK is on the minus strand). VCF-style: chr2-29225463-A-G. GRCh37 (hg19) VCF-style: chr2-29448329-A-G.
Other names: short protein forms I1057T.
Identifiers: ClinVar variation 851037 (VCV000851037.13), dbSNP rs747594544, ClinGen allele CA1594059.

ClinVar aggregate classification (germline): Conflicting classifications of pathogenicity. Review status: criteria provided, conflicting classifications (1 of 4 stars). 5 submissions from 5 submitters: Uncertain significance (4); Likely benign (1). Last evaluated 2026-05-27.

Conditions:
Hereditary cancer-predisposing syndrome. Also called: Tumor predisposition; Neoplastic Syndromes, Hereditary; Hereditary neoplastic syndrome; Hereditary Cancer Syndrome. Identifiers: Orphanet 140162, MedGen C0027672, MeSH D009386, MONDO:0015356.
Neuroblastoma, susceptibility to, 3. Also called: ALK-Related Neuroblastic Tumor Susceptibility. Identifiers: Orphanet 635, MedGen C2751681, MONDO:0013083, OMIM 613014.

Allele frequency attached by ClinVar (database versions not stated): ExAC 0.00001; TOPMed 0.00002; gnomAD exomes 0.00001 and 0.00002; gnomAD 0.00002.
gnomAD v4.1: 17 of 1,612,194 alleles (0.0011%); highest among the groups gnomAD compares: East Asian, 0.0067%; no homozygotes.

Submissions (5):

Ambry Genetics
Classification: Likely benign for Hereditary cancer-predisposing syndrome. Last evaluated: 2026-05-27. Review status: criteria provided, single submitter. Criteria: Ambry Variant Classification Scheme 2023. Collection method: clinical testing. Allele origin: germline.

Labcorp Genetics (formerly Invitae), Labcorp
Classification: Uncertain significance for Neuroblastoma, susceptibility to, 3. Last evaluated: 2025-12-22. Review status: criteria provided, single submitter. Criteria: Invitae Variant Classification Sherloc (09022015). Collection method: clinical testing. Allele origin: germline.
Comment: This sequence change replaces isoleucine, which is neutral and non-polar, with threonine, which is neutral and polar, at codon 1057 of the ALK protein (p.Ile1057Thr). This variant is present in population databases (rs747594544, gnomAD 0.009%). This variant has not been reported in the literature in individuals affected with ALK-related conditions. ClinVar contains an entry for this variant (Variation ID: 851037). An algorithm developed to predict the effect of missense changes on protein structure and function (PolyPhen-2) suggests that this variant is likely to be tolerated. In summary, the available evidence is currently insufficient to determine the role of this variant in disease. Therefore, it has been classified as a Variant of Uncertain Significance.

Baylor Genetics
Classification: Uncertain significance for Neuroblastoma, susceptibility to, 3. Last evaluated: 2024-01-22. Review status: criteria provided, single submitter. Criteria: ACMG Guidelines, 2015. Collection method: clinical testing. Allele origin: unknown.

GeneDx
Classification: Uncertain significance. Last evaluated: 2023-10-24. Review status: criteria provided, single submitter. Criteria: GeneDx Variant Classification Process June 2021. Collection method: clinical testing. Allele origin: germline. Affected: yes.
Comment: Not observed at significant frequency in large population cohorts (gnomAD); In silico analysis supports that this missense variant does not alter protein structure/function; Has not been previously published as pathogenic or benign to our knowledge; This variant is associated with the following publications: (PMID: 31712133)

Sema4
Classification: Uncertain significance for Hereditary cancer-predisposing syndrome. Last evaluated: 2022-03-16. Review status: criteria provided, single submitter. Criteria: Sema4 Curation Guidelines. Collection method: curation. Allele origin: germline.
Comment: To the best of our knowledge, the ALK c.3170T>C (p.I1057T) variant has not been reported in individuals with ALK-related disease. It was observed in 5/247120 chromosomes across all populations in the large and broad cohorts of the Genome Aggregation Database (PMID: 32461654). This variant has been reported in ClinVar (Variation ID 851037). Functional studies have not been performed, and in silico predictions of the variant's effect on protein function are inconclusive. The evidence is insufficient to meet ACMG/AMP criteria for classifying the variant as benign or pathogenic. Thus, the clinical significance of this variant is currently uncertain.